The following is an entry in ClinVar:

NM_005378.6(MYCN):c.621A>C (p.Ala207=)

Gene: MYCN (MYCN proto-oncogene, bHLH transcription factor; plus strand). Cytogenetic location: 2p24.3.
Variant type: single nucleotide variant.
Coding change: c.621A>C on transcript NM_005378.6 (MANE Select); coding-DNA position 621, A replaced by C.
Protein change: p.Ala207=; no amino-acid change (alanine 207 retained).
Molecular consequence: synonymous variant. On other transcripts: 3 prime UTR variant (1), intron variant (1).
Genome position (GRCh38, 1-based): chr2:15,942,685, A>C. VCF-style: chr2-15942685-A-C. GRCh37 (hg19) VCF-style: chr2-16082807-A-C.
Other names: c.621A>C, p.Ala207= (NM_001293228.2); c.*556A>C (NM_001293233.2); c.157+1942A>C (NM_001293231.2); c.621A>C (NM_005378.5).
Identifiers: ClinVar variation 1985185 (VCV001985185.6), dbSNP rs1572217913, ClinGen allele CA425092372.

ClinVar aggregate classification (germline): Likely benign. Review status: criteria provided, single submitter (1 of 4 stars). 2 submissions from 2 submitters: Likely benign (1). 1 of the submissions does not count toward it. Last evaluated 2022-08-18.

Conditions:
MYCN-related disorder. Also called: MYCN-related condition.

Submissions (2):

Labcorp Genetics (formerly Invitae), Labcorp
Classification: Likely benign. Last evaluated: 2022-08-18. Review status: criteria provided, single submitter. Criteria: Invitae Variant Classification Sherloc (09022015). Collection method: clinical testing. Allele origin: germline.

PreventionGenetics, part of Exact Sciences
Classification: Likely benign for MYCN-related condition. Last evaluated: 2019-03-12. Review status: no assertion criteria provided. Collection method: clinical testing. Allele origin: germline. Not counted in ClinVar's aggregate classification.
Comment: This variant is classified as likely benign based on ACMG/AMP sequence variant interpretation guidelines (Richards et al. 2015 PMID: 25741868, with internal and published modifications).